The following is an entry in ClinVar:

ClinVar aggregate classification (germline): Uncertain significance. Review status: criteria provided, multiple submitters, no conflicts (2 of 4 stars). 2 submissions from 2 submitters: Uncertain significance (2). Last evaluated 2025-03-20.

Conditions:
Arginase deficiency. Also called: ARGININEMIA; ARG1 DEFICIENCY; Arginase 1 Deficiency. Identifiers: Orphanet 90, MedGen C0268548, MONDO:0008814, OMIM 207800.

Allele frequency attached by ClinVar (database versions not stated): TOPMed 0.00003; gnomAD 0.00002.
gnomAD v4.1: 41 of 1,613,784 alleles (0.0025%); highest among the groups gnomAD compares: Non-Finnish European, 0.0035%; no homozygotes.

Submissions (2):

ARUP Laboratories, Molecular Genetics and Genomics, ARUP Laboratories
Classification: Uncertain significance for Arginase deficiency. Last evaluated: 2025-03-20. Review status: criteria provided, single submitter. Criteria: ARUP Molecular Germline Variant Investigation Process 2024. Collection method: clinical testing. Allele origin: germline.

Labcorp Genetics (formerly Invitae), Labcorp
Classification: Uncertain significance for Arginase deficiency. Last evaluated: 2024-10-08. Review status: criteria provided, single submitter. Criteria: Invitae Variant Classification Sherloc (09022015). Collection method: clinical testing. Allele origin: germline.
Comment: This sequence change replaces aspartic acid, which is acidic and polar, with asparagine, which is neutral and polar, at codon 117 of the ARG1 protein (p.Asp117Asn). This variant is present in population databases (rs754655577, gnomAD 0.003%). This variant has not been reported in the literature in individuals affected with ARG1-related conditions. ClinVar contains an entry for this variant (Variation ID: 1045031). Invitae Evidence Modeling of protein sequence and biophysical properties (such as structural, functional, and spatial information, amino acid conservation, physicochemical variation, residue mobility, and thermodynamic stability) indicates that this missense variant is not expected to disrupt ARG1 protein function with a negative predictive value of 80%. In summary, the available evidence is currently insufficient to determine the role of this variant in disease. Therefore, it has been classified as a Variant of Uncertain Significance.

NM_000045.4(ARG1):c.349G>A (p.Asp117Asn)

Genes: ARG1 (arginase 1; plus strand), MED23 (mediator complex subunit 23; minus strand). Cytogenetic location: 6q23.2.
Variant type: single nucleotide variant.
Coding change: c.349G>A on transcript NM_000045.4 (MANE Select); coding-DNA position 349, G replaced by A.
Protein change: p.Asp117Asn; replaces aspartic acid 117 with asparagine.
Molecular consequence: missense variant. On other transcripts: non-coding transcript variant (1), intron variant (3).
Genome position (GRCh38, 1-based): chr6:131,581,262, G>A. VCF-style: chr6-131581262-G-A. GRCh37 (hg19) VCF-style: chr6-131902402-G-A.
Other names: c.373G>A, p.Asp125Asn (NM_001244438.2); c.306-1798G>A (NM_001369020.1); c.4077+6447C>T (NM_001270521.2); c.4095+6447C>T (NM_015979.4); short protein forms D117N, D125N.
Identifiers: ClinVar variation 1045031 (VCV001045031.5), dbSNP rs754655577, ClinGen allele CA3999238.